The following is an entry in ClinVar:

NM_006757.4(TNNT3):c.39C>A (p.Tyr13Ter)

Gene: TNNT3 (troponin T3, fast skeletal type; plus strand). Cytogenetic location: 11p15.5.
Variant type: single nucleotide variant.
Coding change: c.39C>A on transcript NM_006757.4 (MANE Select); coding-DNA position 39, C replaced by A.
Protein change: p.Tyr13Ter; replaces tyrosine 13 with a stop codon.
Molecular consequence: nonsense. On other transcripts: intron variant (3).
Genome position (GRCh38, 1-based): chr11:1,923,562, C>A. VCF-style: chr11-1923562-C-A. GRCh37 (hg19) VCF-style: chr11-1944792-C-A.
Other names: c.39C>A, p.Tyr13Ter (NM_001042780.3, NM_001042781.3, NM_001042782.3 and 10 more transcripts); c.-99+671C>A (NM_001367851.1); c.31+501C>A (NM_001367849.1); c.-117+671C>A (NM_001367852.1); short protein forms Y13*.
Identifiers: ClinVar variation 1946164 (VCV001946164.5), dbSNP rs376786651, ClinGen allele CA379093841.
Genomic context (GRCh38, chr11:1,923,562, plus strand): 5'-TCACGGGCTGCCCCTTCTAACGTGGTTCCCCTCTTTGTTCTGTCCCAATGCAGAGCAGTA[C>A]GAAGAAGAAGGTAATTCTGGCAACCACCGGAAGCCCCCCCAGCCCCTCCTTGGAACTTAA-3'

ClinVar aggregate classification (germline): Uncertain significance (1 of 4 stars; one submission).

Submission:

Labcorp Genetics (formerly Invitae), Labcorp
Classification: Uncertain significance. Last evaluated: 2022-04-24. Review status: criteria provided, single submitter. Criteria: Invitae Variant Classification Sherloc (09022015). Collection method: clinical testing. Allele origin: germline.
Comment: In summary, the available evidence is currently insufficient to determine the role of this variant in disease. Therefore, it has been classified as a Variant of Uncertain Significance. This variant has not been reported in the literature in individuals affected with TNNT3-related conditions. This variant is not present in population databases (gnomAD no frequency). This sequence change creates a premature translational stop signal (p.Tyr13*) in the TNNT3 gene. It is expected to result in an absent or disrupted protein product. However, the current clinical and genetic evidence is not sufficient to establish whether loss-of-function variants in TNNT3 cause disease.